The following is an entry in ClinVar:

ClinVar aggregate classification (germline): Conflicting classifications of pathogenicity. Review status: criteria provided, conflicting classifications (1 of 4 stars). 6 submissions from 6 submitters: Uncertain significance (5); Likely benign (1). Last evaluated 2026-06-08.

Conditions:
ZNF469-related disorder. Also called: ZNF469-related condition.
Cardiovascular phenotype. Identifiers: MedGen CN230736.

Allele frequency attached by ClinVar (database versions not stated): gnomAD exomes 0.00002; gnomAD 0.00003; TOPMed 0.00003.
gnomAD v4.1: 28 of 1,549,320 alleles (0.0018%); highest among the groups gnomAD compares: Admixed American, 0.0079%; no homozygotes.

Submissions (6):

PreventionGenetics, part of Exact Sciences
Classification: Uncertain significance for ZNF469-related condition. Last evaluated: 2026-06-08. Review status: criteria provided, single submitter. Criteria: ACMG Guidelines, 2015. Collection method: clinical testing. Allele origin: germline.
Comment: The ZNF469 c.2123C>T variant is predicted to result in the amino acid substitution p.Ala708Val. To our knowledge, this variant has not been reported in the literature. This variant is reported in 0.0079% of alleles in individuals of Latino descent in gnomAD. At this time, the clinical significance of this variant is uncertain due to the absence of conclusive functional and genetic evidence.

Ambry Genetics
Classification: Likely benign for Cardiovascular phenotype. Last evaluated: 2025-06-12. Review status: criteria provided, single submitter. Criteria: Ambry Variant Classification Scheme 2023. Collection method: clinical testing. Allele origin: germline.

Labcorp Genetics (formerly Invitae), Labcorp
Classification: Uncertain significance. Last evaluated: 2022-06-22. Review status: criteria provided, single submitter. Criteria: Invitae Variant Classification Sherloc (09022015). Collection method: clinical testing. Allele origin: germline.
Comment: This sequence change replaces alanine, which is neutral and non-polar, with valine, which is neutral and non-polar, at codon 708 of the ZNF469 protein (p.Ala708Val). This variant is present in population databases (no rsID available, gnomAD 0.004%). This variant has not been reported in the literature in individuals affected with ZNF469-related conditions. ClinVar contains an entry for this variant (Variation ID: 1215268). Algorithms developed to predict the effect of missense changes on protein structure and function output the following: SIFT: "Tolerated"; PolyPhen-2: "Benign"; Align-GVGD: "Class C0". The valine amino acid residue is found in multiple mammalian species, which suggests that this missense change does not adversely affect protein function. In summary, the available evidence is currently insufficient to determine the role of this variant in disease. Therefore, it has been classified as a Variant of Uncertain Significance.

CeGaT Center for Human Genetics Tuebingen
Classification: Uncertain significance. Last evaluated: 2022-05-01. Review status: criteria provided, single submitter. Criteria: CeGaT Center For Human Genetics Tuebingen Variant Classification Criteria Version 2. Collection method: clinical testing. Allele origin: germline. Affected: yes. Observed: 1 variant allele.
Comment: ZNF469: PM2, BP4

Blueprint Genetics
Classification: Uncertain significance. Last evaluated: 2021-05-12. Review status: criteria provided, single submitter. Criteria: ACMG Guidelines, 2015. Collection method: clinical testing. Allele origin: germline.

GeneDx
Classification: Uncertain significance. Last evaluated: 2019-06-11. Review status: criteria provided, single submitter. Criteria: GeneDx Variant Classification Process June 2021. Collection method: clinical testing. Allele origin: germline. Affected: yes.
Comment: Not observed at a significant frequency in large population cohorts (Lek et al., 2016); In silico analysis, which includes protein predictors and evolutionary conservation, supports that this variant does not alter protein structure/function; Has not been previously published as pathogenic or benign to our knowledge

NM_001367624.2(ZNF469):c.2123C>T (p.Ala708Val)

Gene: ZNF469 (zinc finger protein 469; plus strand). Cytogenetic location: 16q24.2.
Variant type: single nucleotide variant.
Coding change: c.2123C>T on transcript NM_001367624.2 (MANE Select); coding-DNA position 2123, C replaced by T.
Protein change: p.Ala708Val; replaces alanine 708 with valine.
Molecular consequence: missense variant.
Genome position (GRCh38, 1-based): chr16:88,429,593, C>T. VCF-style: chr16-88429593-C-T. GRCh37 (hg19) VCF-style: chr16-88496001-C-T.
Other names: NM_001127464.1:c.2123C>T; NM_001127464.2:c.2123C>T; short protein forms A708V.
Identifiers: ClinVar variation 1215268 (VCV001215268.41), dbSNP rs1327795344, ClinGen allele CA397069933.